The following is an entry in ClinVar:

ClinVar aggregate classification (germline): Conflicting classifications of pathogenicity. Review status: criteria provided, conflicting classifications (1 of 4 stars). 6 submissions from 5 submitters: Uncertain significance (5); Benign (1). Last evaluated 2025-08-22.

Conditions:
Aortic valve disease 1 (AOVD1). Identifiers: MedGen C3887892, MONDO:0024523, OMIM 109730.
Adams-Oliver syndrome 5 (AOS5). Identifiers: Orphanet 974, MedGen C4014970, MONDO:0014459, OMIM 616028.
Familial thoracic aortic aneurysm and aortic dissection (TAAD). Also called: Thoracic aortic aneurysms and dissections. Identifiers: Orphanet 91387, MedGen C4707243, MONDO:0019625.

Allele frequency attached by ClinVar (database versions not stated): gnomAD exomes 0.00002; gnomAD 0.00003 and 0.00004; ExAC 0.00004; TOPMed 0.00004.
gnomAD v4.1: 27 of 1,605,198 alleles (0.0017%); highest among the groups gnomAD compares: Non-Finnish European, 0.0021%; no homozygotes.

Submissions (6):

Ambry Genetics
Classification: Uncertain significance for Familial thoracic aortic aneurysm and aortic dissection. Last evaluated: 2025-08-22. Review status: criteria provided, single submitter. Criteria: Ambry Variant Classification Scheme 2023. Collection method: clinical testing. Allele origin: germline.

Labcorp Genetics (formerly Invitae), Labcorp
Classification: Benign for Adams-Oliver syndrome 5. Last evaluated: 2024-02-24. Review status: criteria provided, single submitter. Criteria: Invitae Variant Classification Sherloc (09022015). Collection method: clinical testing. Allele origin: germline.

GeneDx
Classification: Uncertain significance. Last evaluated: 2022-06-08. Review status: criteria provided, single submitter. Criteria: GeneDx Variant Classification Process June 2021. Collection method: clinical testing. Allele origin: germline. Affected: yes.
Comment: Has not been previously published as pathogenic or benign to our knowledge; In silico analysis supports that this missense variant has a deleterious effect on protein structure/function

Genome-Nilou Lab
Classification: Uncertain significance for Adams-Oliver syndrome 5. Last evaluated: 2022-03-15. Review status: criteria provided, single submitter. Criteria: ACMG Guidelines, 2015. Collection method: clinical testing. Allele origin: germline. Affected: no.

Genome-Nilou Lab
Classification: Uncertain significance for Aortic valve disease 1. Last evaluated: 2022-03-15. Review status: criteria provided, single submitter. Criteria: ACMG Guidelines, 2015. Collection method: clinical testing. Allele origin: germline. Affected: no.

Center for Genomics, Ann and Robert H. Lurie Children's Hospital of Chicago
Classification: Uncertain significance for Adams-Oliver syndrome 5; Aortic valve disease 1. Review status: criteria provided, single submitter. Criteria: ACMG Guidelines, 2015. Collection method: clinical testing. Allele origin: germline.
Comment: NOTCH1 NM_017617.4 exon34 p.His2500Asp (c.7498C>G): This variant has not been reported in the literature but is present in 9/121248 European chromosomes in the Genome Aggregation Database. Evolutionary conservation and computational predictive tools suggest that this variant may impact the protein. In summary, data on this variant is insufficient for disease classification. Therefore, the clinical significance of this variant is uncertain.

NM_017617.5(NOTCH1):c.7498C>G (p.His2500Asp)

Gene: NOTCH1 (notch receptor 1; minus strand). Cytogenetic location: 9q34.3.
Variant type: single nucleotide variant.
Coding change: c.7498C>G on transcript NM_017617.5 (MANE Select); coding-DNA position 7498, C replaced by G.
Protein change: p.His2500Asp; replaces histidine 2500 with aspartic acid.
Molecular consequence: missense variant.
Genome position (GRCh38, 1-based): chr9:136,496,241, G>C on the plus strand (C>G on the coding strand, the complement: NOTCH1 is on the minus strand). VCF-style: chr9-136496241-G-C. GRCh37 (hg19) VCF-style: chr9-139390693-G-C.
Other names: c.7498C>G, p.His2500Asp (LRG_1122t1); short protein forms H2500D.
Identifiers: ClinVar variation 487470 (VCV000487470.15), dbSNP rs763902589, ClinGen allele CA5339663.
Genomic context (GRCh38, chr9:136,496,241, plus strand): 5'-ACTGGTCAGGGGACTCAGGGGACGGGGTGAGGAAGGGGTGCTCAGGCACCTGTAGCTGGT[G>C]GCTGGGGGTGTTGTCCACAGGCGAGGAGTAGCTGTGCTGCGAGGGGGGCGTCAGGAACTG-3'
Protein context (NP_060087.3, residues 2490-2510): YSSPVDNTPS[His2500Asp]QLQVPEHPFL